The following is an entry in ClinVar:

NM_001040108.2(MLH3):c.1474C>G (p.Leu492Val)

Gene: MLH3 (mutL homolog 3; minus strand). Cytogenetic location: 14q24.3.
Variant type: single nucleotide variant.
Coding change: c.1474C>G on transcript NM_001040108.2 (MANE Select); coding-DNA position 1474, C replaced by G.
Protein change: p.Leu492Val; replaces leucine 492 with valine.
Molecular consequence: missense variant.
Genome position (GRCh38, 1-based): chr14:75,048,182, G>C on the plus strand (C>G on the coding strand, the complement: MLH3 is on the minus strand). VCF-style: chr14-75048182-G-C. GRCh37 (hg19) VCF-style: chr14-75514885-G-C.
Other names: c.1474C>G, p.Leu492Val (NM_014381.3); short protein forms L492V.
Identifiers: ClinVar variation 569542 (VCV000569542.10), dbSNP rs28756983, ClinGen allele CA7275868.

ClinVar aggregate classification (germline): Uncertain significance. Review status: criteria provided, multiple submitters, no conflicts (2 of 4 stars). 2 submissions from 2 submitters: Uncertain significance (2). Last evaluated 2024-06-13.

Conditions:
Endometrial carcinoma. Also called: Endometrial carcinoma, somatic. Identifiers: MedGen C0476089, MONDO:0002447, OMIM 608089, HP:0012114.
Colorectal cancer, hereditary nonpolyposis, type 7. Identifiers: Orphanet 144, MedGen C1858380, MONDO:0013725, OMIM 614385.
Colorectal cancer. Also called: Colorectal cancer, somatic; Malignant Colorectal Neoplasm. Identifiers: MedGen C0346629, MONDO:0005575, OMIM 114500.

Allele frequency attached by ClinVar (database versions not stated): ExAC 0.00001; gnomAD 0.00001; 1000 Genomes Project 30x 0.00016; 1000 Genomes Project 0.00020.
gnomAD v4.1: 4 of 1,613,808 alleles (0.00025%); highest among the groups gnomAD compares: East Asian, 0.0089%; no homozygotes.

Submissions (2):

Fulgent Genetics
Classification: Uncertain significance for Colorectal cancer; Endometrial carcinoma; Colorectal cancer, hereditary nonpolyposis, type 7. Last evaluated: 2024-06-13. Review status: criteria provided, single submitter. Criteria: ACMG Guidelines, 2015. Collection method: clinical testing. Allele origin: germline.

Labcorp Genetics (formerly Invitae), Labcorp
Classification: Uncertain significance for Colorectal cancer, hereditary nonpolyposis, type 7. Last evaluated: 2024-02-12. Review status: criteria provided, single submitter. Criteria: Invitae Variant Classification Sherloc (09022015). Collection method: clinical testing. Allele origin: germline.
Comment: This sequence change replaces leucine, which is neutral and non-polar, with valine, which is neutral and non-polar, at codon 492 of the MLH3 protein (p.Leu492Val). This variant is present in population databases (rs28756983, gnomAD 0.006%). This variant has not been reported in the literature in individuals affected with MLH3-related conditions. ClinVar contains an entry for this variant (Variation ID: 569542). An algorithm developed to predict the effect of missense changes on protein structure and function (PolyPhen-2) suggests that this variant is likely to be tolerated. In summary, the available evidence is currently insufficient to determine the role of this variant in disease. Therefore, it has been classified as a Variant of Uncertain Significance.